The following is an entry in ClinVar:

ClinVar aggregate classification (germline): Uncertain significance (1 of 4 stars; one submission).

Conditions:
Severe combined immunodeficiency due to DNA-PKcs deficiency. Also called: IMMUNODEFICIENCY 26 WITH NEUROLOGIC ABNORMALITIES; Immunodeficiency 26 with or without neurologic abnormalities. Identifiers: Orphanet 317425, MedGen C4014833, MONDO:0014423, OMIM 615966.

Allele frequency attached by ClinVar (database versions not stated): TOPMed below 0.00001.

Submission:

Labcorp Genetics (formerly Invitae), Labcorp
Classification: Uncertain significance for Severe combined immunodeficiency due to DNA-PKcs deficiency. Last evaluated: 2022-06-13. Review status: criteria provided, single submitter. Criteria: Invitae Variant Classification Sherloc (09022015). Collection method: clinical testing. Allele origin: germline.
Comment: This sequence change replaces alanine, which is neutral and non-polar, with aspartic acid, which is acidic and polar, at codon 3346 of the PRKDC protein (p.Ala3346Asp). This variant is present in population databases (rs760310638, gnomAD 0.0009%). This variant has not been reported in the literature in individuals affected with PRKDC-related conditions. ClinVar contains an entry for this variant (Variation ID: 999302). Experimental studies and prediction algorithms are not available or were not evaluated, and the functional significance of this variant is currently unknown. In summary, the available evidence is currently insufficient to determine the role of this variant in disease. Therefore, it has been classified as a Variant of Uncertain Significance.

NM_006904.7(PRKDC):c.10037C>A (p.Ala3346Asp)

Gene: PRKDC (protein kinase, DNA-activated, catalytic subunit; minus strand). Cytogenetic location: 8q11.21.
Variant type: single nucleotide variant.
Coding change: c.10037C>A on transcript NM_006904.7 (MANE Select); coding-DNA position 10037, C replaced by A.
Protein change: p.Ala3346Asp; replaces alanine 3346 with aspartic acid.
Molecular consequence: missense variant.
Genome position (GRCh38, 1-based): chr8:47,800,872, G>T on the plus strand (C>A on the coding strand, the complement: PRKDC is on the minus strand). VCF-style: chr8-47800872-G-T. GRCh37 (hg19) VCF-style: chr8-48713433-G-T.
Other names: c.10037C>A, p.Ala3346Asp (NM_001081640.2); short protein forms A3346D.
Identifiers: ClinVar variation 999302 (VCV000999302.2), dbSNP rs760310638, ClinGen allele CA4739416.